The following is an entry in ClinVar:

NM_000075.4(CDK4):c.147T>C (p.Leu49=)

Genes: CDK4 (cyclin dependent kinase 4; minus strand), LOC130008148 (ATAC-STARR-seq lymphoblastoid silent region 4588; plus strand). Cytogenetic location: 12q14.1.
Variant type: single nucleotide variant.
Coding change: c.147T>C on transcript NM_000075.4 (MANE Select); coding-DNA position 147, T replaced by C.
Protein change: p.Leu49=; no amino-acid change (leucine 49 retained).
Molecular consequence: synonymous variant.
Genome position (GRCh38, 1-based): chr12:57,751,571, A>G on the plus strand (T>C on the coding strand, the complement: CDK4 is on the minus strand). VCF-style: chr12-57751571-A-G. GRCh37 (hg19) VCF-style: chr12-58145354-A-G.
Identifiers: ClinVar variation 414922 (VCV000414922.17), dbSNP rs1060504383, ClinGen allele CA16613851.
Genomic context (GRCh38, chr12:57,751,571, plus strand): 5'-GGGATGCTCAAAAGCCTCCAGTCGCCTCAGTAAAGCCACCTCACGAACTGTGCTGATGGG[A>G]AGGCCTCCTCCACCTCCTCCTCCATTGGGGACTCTCACACTCTTGAGGGCCACAAAGTGG-3'
Protein context (NP_000066.1, residues 39-59): VPNGGGGGGG[Leu49=]PISTVREVAL

ClinVar aggregate classification (germline): Benign/Likely benign. Review status: criteria provided, multiple submitters, no conflicts (2 of 4 stars). 3 submissions from 3 submitters: Benign (1); Likely benign (2). Last evaluated 2026-01-13.

Conditions:
Familial melanoma. Also called: Hereditary melanoma; Hereditary cutaneous melanoma. Identifiers: Orphanet 618, MedGen C1512419, MONDO:0018961.
Melanoma, cutaneous malignant, susceptibility to, 3. Also called: Cutaneous malignant melanoma 3. Identifiers: Orphanet 618, MedGen C1836892, MONDO:0012183, OMIM 609048.
Hereditary cancer-predisposing syndrome. Also called: Tumor predisposition; Neoplastic Syndromes, Hereditary; Hereditary neoplastic syndrome; Hereditary Cancer Syndrome. Identifiers: Orphanet 140162, MedGen C0027672, MeSH D009386, MONDO:0015356.

Allele frequency attached by ClinVar (database versions not stated): gnomAD exomes below 0.00001.
gnomAD v4.1: 3 of 1,614,142 alleles (0.00019%); highest among the groups gnomAD compares: East Asian, 0.0022%; no homozygotes.

Submissions (3):

Labcorp Genetics (formerly Invitae), Labcorp
Classification: Likely benign for Familial melanoma. Last evaluated: 2026-01-13. Review status: criteria provided, single submitter. Criteria: Invitae Variant Classification Sherloc (09022015). Collection method: clinical testing. Allele origin: germline.

Myriad Genetics, Inc.
Classification: Benign for Melanoma, cutaneous malignant, susceptibility to, 3. Last evaluated: 2024-09-24. Review status: criteria provided, single submitter. Criteria: Myriad Autosomal Dominant, Autosomal Recessive and X-Linked Classification Criteria (2023). Collection method: clinical testing. Allele origin: unknown.
Comment: This variant is considered benign. This variant is a silent/synonymous amino acid change and it is not expected to impact splicing.

Ambry Genetics
Classification: Likely benign for Hereditary cancer-predisposing syndrome. Last evaluated: 2016-06-22. Review status: criteria provided, single submitter. Criteria: Ambry Variant Classification Scheme 2023. Collection method: clinical testing. Allele origin: germline.